The following is an entry in ClinVar:

ClinVar aggregate classification (germline): Uncertain significance. Review status: criteria provided, multiple submitters, no conflicts (2 of 4 stars). 3 submissions from 3 submitters: Uncertain significance (3). Last evaluated 2021-12-14.

Conditions:
Inborn genetic diseases. Identifiers: MedGen C0950123, MeSH D030342.
Hereditary spastic paraplegia 11. Also called: Spastic Paraplegia 11; SPASTIC PARAPLEGIA, AUTOSOMAL RECESSIVE, COMPLICATED, WITH THIN CORPUS CALLOSUM; SPASTIC PARAPLEGIA, AUTOSOMAL RECESSIVE, WITH MENTAL IMPAIRMENT AND THIN CORPUS CALLOSUM; Nakamura Osame syndrome; Autosomal recessive hereditary spastic paraplegia, mental impairment, and thin corpus callosum; Spastic paraplegia, mental retardation and thin corpus callosum. Identifiers: Orphanet 2822, MedGen C1858479, MONDO:0011445, OMIM 604360.

Allele frequency attached by ClinVar (database versions not stated): TOPMed 0.00001.

Submissions (3):

Ambry Genetics
Classification: Uncertain significance for Inborn genetic diseases. Last evaluated: 2021-12-14. Review status: criteria provided, single submitter. Criteria: Ambry Variant Classification Scheme 2023. Collection method: clinical testing. Allele origin: germline.
Comment: The p.T1810S variant (also known as c.5428A>T), located in coding exon 30 of the SPG11 gene, results from an A to T substitution at nucleotide position 5428. The threonine at codon 1810 is replaced by serine, an amino acid with similar properties. This amino acid position is conserved. In addition, this alteration is predicted to be tolerated by in silico analysis. Since supporting evidence is limited at this time, the clinical significance of this alteration remains unclear.

Labcorp Genetics (formerly Invitae), Labcorp
Classification: Uncertain significance for Hereditary spastic paraplegia 11. Last evaluated: 2021-11-03. Review status: criteria provided, single submitter. Criteria: Invitae Variant Classification Sherloc (09022015). Collection method: clinical testing. Allele origin: germline.
Comment: This sequence change replaces threonine, which is neutral and polar, with serine, which is neutral and polar, at codon 1810 of the SPG11 protein (p.Thr1810Ser). This variant is not present in population databases (gnomAD no frequency). This variant has not been reported in the literature in individuals affected with SPG11-related conditions. ClinVar contains an entry for this variant (Variation ID: 963641). Algorithms developed to predict the effect of missense changes on protein structure and function (SIFT, PolyPhen-2, Align-GVGD) all suggest that this variant is likely to be tolerated. In summary, the available evidence is currently insufficient to determine the role of this variant in disease. Therefore, it has been classified as a Variant of Uncertain Significance.

Blueprint Genetics
Classification: Uncertain significance. Last evaluated: 2020-05-13. Review status: criteria provided, single submitter. Criteria: ACMG Guidelines, 2015. Collection method: clinical testing. Allele origin: germline.

NM_025137.4(SPG11):c.5428A>T (p.Thr1810Ser)

Gene: SPG11 (SPG11 vesicle trafficking associated, spatacsin; minus strand). Cytogenetic location: 15q21.1.
Variant type: single nucleotide variant.
Coding change: c.5428A>T on transcript NM_025137.4 (MANE Select); coding-DNA position 5428, A replaced by T.
Protein change: p.Thr1810Ser; replaces threonine 1810 with serine.
Molecular consequence: missense variant.
Genome position (GRCh38, 1-based): chr15:44,584,252, T>A on the plus strand (A>T on the coding strand, the complement: SPG11 is on the minus strand). VCF-style: chr15-44584252-T-A. GRCh37 (hg19) VCF-style: chr15-44876450-T-A.
Other names: c.5428A>T, p.Thr1810Ser (NM_001160227.2); short protein forms T1810S.
Identifiers: ClinVar variation 963641 (VCV000963641.7), dbSNP rs1404988525, ClinGen allele CA392222565.
Genomic context (GRCh38, chr15:44,584,252, plus strand): 5'-CACTAGTTGAGATCTGTCGAGAAAATCTGGGCTCTGTTTCCTCCTGATTTCTTCCAAGAG[T>A]GTGCTGGGTGATGCGGCACAGCCAGATCTGCTTCTCCAGCTCCTCCAGCTTATCCAAGGG-3'
Protein context (NP_079413.3, residues 1800-1820): QIWLCRITQH[Thr1810Ser]LGRNQEETEP